The following is an entry in ClinVar:

NM_004629.2(FANCG):c.763T>C (p.Cys255Arg)

Gene: FANCG (FA complementation group G; minus strand). Cytogenetic location: 9p13.3.
Variant type: single nucleotide variant.
Coding change: c.763T>C on transcript NM_004629.2 (MANE Select); coding-DNA position 763, T replaced by C.
Protein change: p.Cys255Arg; replaces cysteine 255 with arginine.
Molecular consequence: missense variant.
Genome position (GRCh38, 1-based): chr9:35,076,985, A>G on the plus strand (T>C on the coding strand, the complement: FANCG is on the minus strand). VCF-style: chr9-35076985-A-G. GRCh37 (hg19) VCF-style: chr9-35076982-A-G.
Other names: short protein forms C255R.
Identifiers: ClinVar variation 2896776 (VCV002896776.4), dbSNP rs2131056418, ClinGen allele CA373313414.

ClinVar aggregate classification (germline): Uncertain significance. Review status: criteria provided, multiple submitters, no conflicts (2 of 4 stars). 2 submissions from 2 submitters: Uncertain significance (2). Last evaluated 2025-01-19.

Conditions:
Inborn genetic diseases. Identifiers: MedGen C0950123, MeSH D030342.
Fanconi anemia (FA). Also called: Fanconi's anemia. Identifiers: Orphanet 84, MedGen C0015625, MeSH D005199, MONDO:0019391.

Allele frequency attached by ClinVar (database versions not stated): gnomAD exomes below 0.00001.
gnomAD v4.1: 1 of 1,614,238 alleles (0.000062%); highest among the groups gnomAD compares: Non-Finnish European, 0.000085%; no homozygotes.

Submissions (2):

Ambry Genetics
Classification: Uncertain significance for Inborn genetic diseases. Last evaluated: 2025-01-19. Review status: criteria provided, single submitter. Criteria: Ambry Variant Classification Scheme 2023. Collection method: clinical testing. Allele origin: germline.
Comment: The p.C255R variant (also known as c.763T>C), located in coding exon 6 of the FANCG gene, results from a T to C substitution at nucleotide position 763. The cysteine at codon 255 is replaced by arginine, an amino acid with highly dissimilar properties. This amino acid position is conserved. In addition, the in silico prediction for this alteration is inconclusive. Based on the available evidence, the clinical significance of this variant remains unclear.

Labcorp Genetics (formerly Invitae), Labcorp
Classification: Uncertain significance for Fanconi anemia. Last evaluated: 2023-05-16. Review status: criteria provided, single submitter. Criteria: Invitae Variant Classification Sherloc (09022015). Collection method: clinical testing. Allele origin: germline.
Comment: Advanced modeling of protein sequence and biophysical properties (such as structural, functional, and spatial information, amino acid conservation, physicochemical variation, residue mobility, and thermodynamic stability) performed at Invitae indicates that this missense variant is expected to disrupt FANCG protein function. This variant has not been reported in the literature in individuals affected with FANCG-related conditions. This variant is not present in population databases (gnomAD no frequency). This sequence change replaces cysteine, which is neutral and slightly polar, with arginine, which is basic and polar, at codon 255 of the FANCG protein (p.Cys255Arg). In summary, the available evidence is currently insufficient to determine the role of this variant in disease. Therefore, it has been classified as a Variant of Uncertain Significance.